The following is an entry in ClinVar:

ClinVar aggregate classification (germline): Uncertain significance. Review status: criteria provided, multiple submitters, no conflicts (2 of 4 stars). 2 submissions from 2 submitters: Uncertain significance (2). Last evaluated 2026-04-29.

Conditions:
Hereditary cancer-predisposing syndrome. Also called: Hereditary neoplastic syndrome; Neoplastic Syndromes, Hereditary; Tumor predisposition; Hereditary Cancer Syndrome. Identifiers: Orphanet 140162, MedGen C0027672, MeSH D009386, MONDO:0015356.
Multiple endocrine neoplasia, type 1 (MEN1). Also called: MEN I; WERMER SYNDROME; Endocrine adenomatosis multiple; MEN 1; MEA I. Identifiers: Orphanet 652, MedGen C0025267, MeSH D018761, MONDO:0007540, OMIM 131100.

Submissions (2):

Ambry Genetics
Classification: Uncertain significance for Hereditary cancer-predisposing syndrome. Last evaluated: 2026-04-29. Review status: criteria provided, single submitter. Criteria: Ambry Variant Classification Scheme 2023. Collection method: clinical testing. Allele origin: germline.
Comment: The p.G214V variant (also known as c.641G>T), located in coding exon 2 of the MEN1 gene, results from a G to T substitution at nucleotide position 641. The glycine at codon 214 is replaced by valine, an amino acid with dissimilar properties. This amino acid position is conserved. In addition, this alteration is predicted to be deleterious by in silico analysis. Based on the available evidence, the clinical significance of this alteration remains unclear.

Labcorp Genetics (formerly Invitae), Labcorp
Classification: Uncertain significance for Multiple endocrine neoplasia, type 1. Last evaluated: 2023-03-31. Review status: criteria provided, single submitter. Criteria: Invitae Variant Classification Sherloc (09022015). Collection method: clinical testing. Allele origin: germline.
Comment: In summary, the available evidence is currently insufficient to determine the role of this variant in disease. Therefore, it has been classified as a Variant of Uncertain Significance. Algorithms developed to predict the effect of sequence changes on RNA splicing suggest that this variant may disrupt the consensus splice site. Advanced modeling of protein sequence and biophysical properties (such as structural, functional, and spatial information, amino acid conservation, physicochemical variation, residue mobility, and thermodynamic stability) performed at Invitae indicates that this missense variant is expected to disrupt MEN1 protein function. This variant has not been reported in the literature in individuals affected with MEN1-related conditions. This variant is not present in population databases (gnomAD no frequency). This sequence change replaces glycine, which is neutral and non-polar, with valine, which is neutral and non-polar, at codon 214 of the MEN1 protein (p.Gly214Val).

NM_001370259.2(MEN1):c.641G>T (p.Gly214Val)

Gene: MEN1 (menin 1; minus strand). Cytogenetic location: 11q13.1.
Variant type: single nucleotide variant.
Coding change: c.641G>T on transcript NM_001370259.2 (MANE Select); coding-DNA position 641, G replaced by T.
Protein change: p.Gly214Val; replaces glycine 214 with valine.
Molecular consequence: missense variant. On other transcripts: non-coding transcript variant (4), intron variant (5).
Genome position (GRCh38, 1-based): chr11:64,807,904, C>A on the plus strand (G>T on the coding strand, the complement: MEN1 is on the minus strand). VCF-style: chr11-64807904-C-A. GRCh37 (hg19) VCF-style: chr11-64575376-C-A.
Other names: c.656G>T, p.Gly219Val (NM_130801.3, NM_130802.3, NM_130803.3 and 5 more transcripts); c.549+92G>T (NM_001407148.1, NM_001407149.1, NM_001407151.1 and 2 more transcripts); c.641G>T, p.Gly214Val (NM_001370251.2, NM_001370260.2, NM_001370261.2 and 7 more transcripts); short protein forms G219V, G214V.
Identifiers: ClinVar variation 2851094 (VCV002851094.5), dbSNP rs2136148915, ClinGen allele CA381185325.
Genomic context (GRCh38, chr11:64,807,904, plus strand): 5'-GGCTACTACAGTATGAAGGGGACAAGGCTGGGGGGAGGGAACAATACCCGCTCAGCCACA[C>A]CGGCATTGACTGTCTGGCCCCTGCGGTCCTCGTTGCCCTTGCCGTGCCAGGTGACCTCAG-3'
Protein context (NP_001357188.2, residues 204-224): EDRRGQTVNA[Gly214Val]VAERSWLYLK